The following is an entry in ClinVar:

ClinVar aggregate classification (germline): Benign/Likely benign. Review status: criteria provided, multiple submitters, no conflicts (2 of 4 stars). 9 submissions from 7 submitters: Benign (5); Likely benign (2). 2 of the submissions do not count toward it. Last evaluated 2026-02-02.

Conditions:
Hereditary cancer-predisposing syndrome. Also called: Neoplastic Syndromes, Hereditary; Hereditary Cancer Syndrome; Tumor predisposition; Hereditary neoplastic syndrome. Identifiers: Orphanet 140162, MedGen C0027672, MeSH D009386, MONDO:0015356.

Submissions (9):

Labcorp Genetics (formerly Invitae), Labcorp
Classification: Benign for Hereditary cancer-predisposing syndrome. Last evaluated: 2026-02-02. Review status: criteria provided, single submitter. Criteria: Invitae Variant Classification Sherloc (09022015). Collection method: clinical testing. Allele origin: germline.

Dasa
Classification: Benign. Last evaluated: 2025-11-25. Review status: criteria provided, single submitter. Criteria: DASA Assertion Criteria. Collection method: clinical testing. Allele origin: germline.
Comment: NM_005732.4(RAD50):c.2923-5dup is a splice-region variant. Population frequency is inconsistent with a disease-causing role for this variant, and observations in unaffected individuals support a benign interpretation. Computational prediction algorithms are consistent with a benign effect. Therefore, based on the currently available evidence, this variant is classified as benign.

Quest Diagnostics Nichols Institute San Juan Capistrano
Classification: Benign. Last evaluated: 2025-03-25. Review status: criteria provided, single submitter. Criteria: Quest Diagnostics criteria. Collection method: clinical testing. Allele origin: unknown.

Blueprint Genetics
Classification: Likely benign. Last evaluated: 2024-11-26. Review status: criteria provided, single submitter. Criteria: ACMG Guidelines, 2015. Collection method: clinical testing. Allele origin: germline.

Women's Health and Genetics/Laboratory Corporation of America, LabCorp
Classification: Benign. Last evaluated: 2016-05-24. Review status: criteria provided, single submitter. Criteria: LabCorp Variant Classification Summary - May 2015. Collection method: clinical testing. Allele origin: germline.
Comment: Variant summary: The RAD50 c.2923-5dupT variant involves the insertion of a nucleotide in the intronic region. One in silico tool predicts a damaging outcome for this variant. 5/5 splice prediction tools predict no significant impact on normal splicing. However, these predictions have yet to be confirmed by functional studies. This variant was found in 2771/115606 control chromosomes (257 homozygotes) at a frequency of 0.0239693, which is approximately 383 times the estimated maximal expected allele frequency of a pathogenic RAD50 variant (0.0000625), suggesting this variant is a benign polymorphism. In addition, another clinical diagnostic laboratory classified this variant as likely benign, without evidence to independently evaluate. Taken together, this variant is classified as benign.

Ambry Genetics
Classification: Likely benign for Hereditary cancer-predisposing syndrome. Last evaluated: 2015-06-30. Review status: criteria provided, single submitter. Criteria: Ambry Variant Classification Scheme 2023. Collection method: clinical testing. Allele origin: germline.

GeneDx
Classification: Benign. Last evaluated: 2015-03-03. Review status: criteria provided, single submitter. Criteria: GeneDx Variant Classification Process June 2021. Collection method: clinical testing. Allele origin: germline. Affected: yes.

Ambry Genetics
Classification: Likely benign for Neoplastic Syndromes, Hereditary. Last evaluated: 2013-01-08. Review status: flagged submission. Criteria: Ambry Autosomal Dominant and X-Linked criteria (9/4/14). Collection method: clinical testing. Allele origin: germline. Not counted in ClinVar's aggregate classification.
ClinVar note: Reason: This record appears to be redundant with a more recent record from the same submitter.
ClinVar note: Notes: SCV000172818 appears to be redundant with SCV000184483.

Ambry Genetics
Classification: Likely benign for Neoplastic Syndromes, Hereditary. Last evaluated: 2012-07-30. Review status: flagged submission. Criteria: Ambry Autosomal Dominant and X-Linked criteria (9/4/14). Collection method: clinical testing. Allele origin: germline. Not counted in ClinVar's aggregate classification.
ClinVar note: Reason: This record appears to be redundant with a more recent record from the same submitter.
ClinVar note: Notes: SCV000172741 appears to be redundant with SCV000184483.

NM_005732.4(RAD50):c.2923-5dup

Gene: RAD50 (RAD50 double strand break repair protein; plus strand). Cytogenetic location: 5q31.1.
Variant type: Duplication.
Coding change: c.2923-5dup on transcript NM_005732.4 (MANE Select); 5 bases into the intron before coding-DNA position 2923, one base duplicated (T; older notation c.2923-5dupT).
Molecular consequence: intron variant.
Genome position (GRCh38, 1-based): chr5:132,609,278, T duplicated; the last of 6 consecutive T bases (chr5:132,609,273-132,609,278); duplicating any one gives the same sequence. VCF-style (leftmost placement, unchanged base first): chr5-132609272-C-CT. GRCh37 (hg19) VCF-style: chr5-131944964-C-CT.
Other names: c.2923-5dupT (NM_005732.3).
Identifiers: ClinVar variation 140787 (VCV000140787.17), dbSNP rs2066742, ClinGen allele CA163556.
Genomic context (GRCh38, chr5:132,609,272, plus strand): 5'-AATTTAAAACTTAAAATTATTTATTTGATTGTATTTTTATTCATGTGCTTAAAGAATTTT[C>CT]TTTTTTGTAGCAAAAAGAAACTGAACTTAATAAAGTAATAGCTCAACTAAGTGAATGCGA-3'